The following is an entry in ClinVar:

NM_001288615.3(TTC23):c.456-1G>T

Genes: TTC23 (tetratricopeptide repeat domain 23; minus strand), LOC126862246 (BRD4-independent group 4 enhancer GRCh37_chr15:99758119-99759318; plus strand). Cytogenetic location: 15q26.3.
Variant type: single nucleotide variant.
Coding change: c.456-1G>T on transcript NM_001288615.3 (MANE Select); the canonical splice acceptor site of the intron before coding-DNA position 456, G replaced by T.
Molecular consequence: splice acceptor variant.
Genome position (GRCh38, 1-based): chr15:99,218,714, C>A on the plus strand (G>T on the coding strand, the complement: TTC23 is on the minus strand). VCF-style: chr15-99218714-C-A. GRCh37 (hg19) VCF-style: chr15-99758919-C-A.
Other names: c.456-1G>T (NM_001288616.3, NM_001353869.2).
Identifiers: ClinVar variation 917963 (VCV000917963.3), dbSNP rs772970039, ClinGen allele CA7754687.

ClinVar aggregate classification (germline): Benign (0 of 4 stars; one submission).

Conditions:
Orofaciodigital syndrome. Identifiers: Orphanet 140997, MedGen C0029294, MONDO:0015375.

Allele frequency attached by ClinVar (database versions not stated): gnomAD 0.00001; ExAC 0.00002; gnomAD exomes 0.00002.
gnomAD v4.1: 65 of 1,613,906 alleles (0.004%); highest among the groups gnomAD compares: Middle Eastern, 0.12%; no homozygotes.

Submission:

Genomic Medicine Center of Excellence, King Faisal Specialist Hospital and Research Centre
Classification: Benign for Orofaciodigital syndrome. Last evaluated: 2021-06-10. Review status: no assertion criteria provided. Collection method: research. Allele origin: germline. Inheritance: Autosomal recessive inheritance. Affected: yes.
Comment: The variant is classified as â€œbenignâ€ and excluded based on familial segregation.